The following is an entry in ClinVar:

ClinVar aggregate classification (germline): Uncertain significance (1 of 4 stars; one submission).

Allele frequency attached by ClinVar (database versions not stated): gnomAD exomes below 0.00001 and 0.00001; gnomAD 0.00001.

Submission:

Labcorp Genetics (formerly Invitae), Labcorp
Classification: Uncertain significance. Last evaluated: 2026-01-14. Review status: criteria provided, single submitter. Criteria: Invitae Variant Classification Sherloc (09022015). Collection method: clinical testing. Allele origin: germline.
Comment: This sequence change replaces lysine, which is basic and polar, with arginine, which is basic and polar, at codon 182 of the POLA1 protein (p.Lys182Arg). The frequency data for this variant in the population databases is considered unreliable, as metrics indicate poor data quality at this position in the gnomAD database. This variant has not been reported in the literature in individuals affected with POLA1-related conditions. ClinVar contains an entry for this variant (Variation ID: 1425218). Invitae Evidence Modeling of protein sequence and biophysical properties (such as structural, functional, and spatial information, amino acid conservation, physicochemical variation, residue mobility, and thermodynamic stability) indicates that this missense variant is not expected to disrupt POLA1 protein function with a negative predictive value of 80%. In summary, the available evidence is currently insufficient to determine the role of this variant in disease. Therefore, it has been classified as a Variant of Uncertain Significance.

NM_001330360.2(POLA1):c.563A>G (p.Lys188Arg)

Gene: POLA1 (DNA polymerase alpha 1, catalytic subunit; plus strand). Cytogenetic location: Xp22.11.
Variant type: single nucleotide variant.
Coding change: c.563A>G on transcript NM_001330360.2 (MANE Select); coding-DNA position 563, A replaced by G.
Protein change: p.Lys188Arg; replaces lysine 188 with arginine.
Molecular consequence: missense variant. On other transcripts: non-coding transcript variant (2).
Genome position (GRCh38, 1-based): chrX:24,716,399, A>G. VCF-style: chrX-24716399-A-G. GRCh37 (hg19) VCF-style: chrX-24734516-A-G.
Other names: c.563A>G, p.Lys188Arg (NM_001378303.1); c.545A>G, p.Lys182Arg (NM_016937.4); short protein forms K188R, K182R.
Identifiers: ClinVar variation 1425218 (VCV001425218.8), dbSNP rs1167619280, ClinGen allele CA412528185.
Genomic context (GRCh38, chrX:24,716,399, plus strand): 5'-ATATGTCTTACCTTTCCTTTTAGACACCTCAAATAACTCCACCACCTGTAATGATACTGA[A>G]GAAGAAAAGATCCATTGGAGCTTCACCGAATCCTTTCTCTGTGCACACCGCCACGGTAAA-3'
Protein context (NP_001317289.1, residues 178-198): QITPPPVMIL[Lys188Arg]KKRSIGASPN